The following is an entry in ClinVar:

ClinVar aggregate classification (germline): Uncertain significance (1 of 4 stars; one submission).

Submission:

Labcorp Genetics (formerly Invitae), Labcorp
Classification: Uncertain significance. Last evaluated: 2019-07-04. Review status: criteria provided, single submitter. Criteria: Invitae Variant Classification Sherloc (09022015). Collection method: clinical testing. Allele origin: germline.
Comment: In summary, the available evidence is currently insufficient to determine the role of this variant in disease. Therefore, it has been classified as a Variant of Uncertain Significance. Nucleotide substitutions within the consensus splice site are a relatively common cause of aberrant splicing (PMID: 17576681, 9536098). Algorithms developed to predict the effect of sequence changes on RNA splicing suggest that this variant is not likely to affect RNA splicing, but this prediction has not been confirmed by published transcriptional studies. This variant has not been reported in the literature in individuals with MSH3-related conditions. This variant is not present in population databases (ExAC no frequency). This sequence change falls in intron 20 of the MSH3 gene. It does not directly change the encoded amino acid sequence of the MSH3 protein, but it affects a nucleotide within the consensus splice site of the intron.

Literature cited by the submitters: PubMed 17576681; PubMed 9536098.

NM_002439.5(MSH3):c.2813+6T>G

Gene: MSH3 (mutS homolog 3; plus strand). Cytogenetic location: 5q14.1.
Variant type: single nucleotide variant.
Coding change: c.2813+6T>G on transcript NM_002439.5 (MANE Select); 6 bases into the intron after coding-DNA position 2813, T replaced by G.
Molecular consequence: intron variant.
Genome position (GRCh38, 1-based): chr5:80,813,747, T>G. VCF-style: chr5-80813747-T-G. GRCh37 (hg19) VCF-style: chr5-80109566-T-G.
Identifiers: ClinVar variation 950970 (VCV000950970.9), dbSNP rs1745051052, ClinGen allele CA1139658917.